The following is an entry in ClinVar:

NM_024672.6(THAP9):c.465C>G (p.Ser155=)

Gene: THAP9 (THAP domain containing 9; plus strand). Cytogenetic location: 4q21.22.
Variant type: single nucleotide variant.
Coding change: c.465C>G on transcript NM_024672.6 (MANE Select); coding-DNA position 465, C replaced by G.
Protein change: p.Ser155=; no amino-acid change (serine 155 retained).
Molecular consequence: synonymous variant.
Genome position (GRCh38, 1-based): chr4:82,906,512, C>G. VCF-style: chr4-82906512-C-G. GRCh37 (hg19) VCF-style: chr4-83827665-C-G.
Other names: NC_000004.11:g.83827665C>G; c.33C>G, p.Ser11= (NM_001317776.2).
Identifiers: ClinVar variation 2654855 (VCV002654855.25), dbSNP rs139976656, ClinGen allele CA2987200.

ClinVar aggregate classification (germline): Likely benign (1 of 4 stars; one submission).

Allele frequency attached by ClinVar (database versions not stated): 1000 Genomes Project 0.00140; 1000 Genomes Project 30x 0.00141; ESP Exome Variant Server 0.00538.
gnomAD v4.1: 8,813 of 1,613,706 alleles (0.55%); highest among the groups gnomAD compares: Non-Finnish European, 0.6%; 31 homozygotes.

Submissions (5):

CeGaT Center for Human Genetics Tuebingen
Classification: Likely benign. Last evaluated: 2023-04-01. Review status: criteria provided, single submitter. Criteria: CeGaT Center For Human Genetics Tuebingen Variant Classification Criteria Version 2. Collection method: clinical testing. Allele origin: germline. Affected: yes. Observed: 1 variant allele.
Comment: THAP9: BP4, BP7, BS2

Dr. Peter K. Rogan Lab, Western University
No classification provided (evidence only). Condition: Lung cancer. Review status: no classification provided. Collection method: in vitro. Allele origin: not applicable. Functional consequence: retained intron. Not counted in ClinVar's aggregate classification.

Dr. Peter K. Rogan Lab, Western University
No classification provided (evidence only). Condition: Acute myeloid leukemia. Review status: no classification provided. Collection method: in vitro. Allele origin: not applicable. Functional consequence: retained intron. Not counted in ClinVar's aggregate classification.

Dr. Peter K. Rogan Lab, Western University
No classification provided (evidence only). Condition: Uterine carcinosarcoma. Review status: no classification provided. Collection method: in vitro. Allele origin: not applicable. Functional consequence: retained intron. Not counted in ClinVar's aggregate classification.

Dr. Peter K. Rogan Lab, Western University
No classification provided (evidence only). Condition: Malignant tumor of esophagus. Review status: no classification provided. Collection method: in vitro. Allele origin: not applicable. Functional consequence: retained intron. Not counted in ClinVar's aggregate classification.